The following is an entry in ClinVar:

NM_000428.3(LTBP2):c.3907+3G>A

Gene: LTBP2 (latent transforming growth factor beta binding protein 2; minus strand). Cytogenetic location: 14q24.3.
Variant type: single nucleotide variant.
Coding change: c.3907+3G>A on transcript NM_000428.3 (MANE Select); 3 bases into the intron after coding-DNA position 3907, G replaced by A.
Molecular consequence: intron variant.
Genome position (GRCh38, 1-based): chr14:74,507,176, C>T on the plus strand (G>A on the coding strand, the complement: LTBP2 is on the minus strand). VCF-style: chr14-74507176-C-T. GRCh37 (hg19) VCF-style: chr14-74973879-C-T.
Identifiers: ClinVar variation 4692006 (VCV004692006.1).

ClinVar aggregate classification (germline): Uncertain significance (1 of 4 stars; one submission).

gnomAD v4.1: 9 of 1,614,166 alleles (0.00056%); highest among the groups gnomAD compares: East Asian, 0.018%; no homozygotes.

Submission:

Labcorp Genetics (formerly Invitae), Labcorp
Classification: Uncertain significance. Last evaluated: 2025-08-26. Review status: criteria provided, single submitter. Criteria: Invitae Variant Classification Sherloc (09022015). Collection method: clinical testing. Allele origin: germline.
Comment: This sequence change falls in intron 26 of the LTBP2 gene. It does not directly change the encoded amino acid sequence of the LTBP2 protein. It affects a nucleotide within the consensus splice site. This variant is present in population databases (rs748024644, gnomAD 0.04%). This variant has not been reported in the literature in individuals affected with LTBP2-related conditions. Variants that disrupt the consensus splice site are a relatively common cause of aberrant splicing (PMID: 17576681, 9536098). Algorithms developed to predict the effect of sequence changes on RNA splicing suggest that this variant is not likely to affect RNA splicing. In summary, the available evidence is currently insufficient to determine the role of this variant in disease. Therefore, it has been classified as a Variant of Uncertain Significance.

Literature cited by the submitters: PubMed 17576681; PubMed 9536098.